The following is an entry in ClinVar:

ClinVar aggregate classification (germline): Uncertain significance (1 of 4 stars; one submission).

gnomAD v4.1: 4 of 1,613,890 alleles (0.00025%); highest among the groups gnomAD compares: Non-Finnish European, 0.00034%; no homozygotes.

Submission:

CeGaT Center for Human Genetics Tuebingen
Classification: Uncertain significance. Last evaluated: 2025-06-01. Review status: criteria provided, single submitter. Criteria: CeGaT Center For Human Genetics Tuebingen Variant Classification Criteria Version 2. Collection method: clinical testing. Allele origin: germline. Affected: yes. Observed: 1 variant allele.
Comment: HERC1: PM2

NM_003922.4(HERC1):c.8501C>G (p.Pro2834Arg)

Gene: HERC1 (HECT and RLD domain containing E3 ubiquitin protein ligase family member 1; minus strand). Cytogenetic location: 15q22.31.
Variant type: single nucleotide variant.
Coding change: c.8501C>G on transcript NM_003922.4 (MANE Select); coding-DNA position 8501, C replaced by G.
Protein change: p.Pro2834Arg; replaces proline 2834 with arginine.
Molecular consequence: missense variant.
Genome position (GRCh38, 1-based): chr15:63,665,973, G>C on the plus strand (C>G on the coding strand, the complement: HERC1 is on the minus strand). VCF-style: chr15-63665973-G-C. GRCh37 (hg19) VCF-style: chr15-63958172-G-C.
Other names: short protein forms P2834R.
Identifiers: ClinVar variation 3906039 (VCV003906039.10).